The following is an entry in ClinVar:

ClinVar aggregate classification (germline): Uncertain significance (1 of 4 stars; one submission).

Conditions:
Neuroblastoma, susceptibility to, 3. Also called: ALK-Related Neuroblastic Tumor Susceptibility. Identifiers: Orphanet 635, MedGen C2751681, MONDO:0013083, OMIM 613014.

Submission:

Labcorp Genetics (formerly Invitae), Labcorp
Classification: Uncertain significance for Neuroblastoma, susceptibility to, 3. Last evaluated: 2023-09-29. Review status: criteria provided, single submitter. Criteria: Invitae Variant Classification Sherloc (09022015). Collection method: clinical testing. Allele origin: germline.
Comment: This sequence change replaces lysine, which is basic and polar, with asparagine, which is neutral and polar, at codon 423 of the ALK protein (p.Lys423Asn). This variant is not present in population databases (gnomAD no frequency). This variant has not been reported in the literature in individuals affected with ALK-related conditions. An algorithm developed to predict the effect of missense changes on protein structure and function (PolyPhen-2) suggests that this variant is likely to be disruptive. In summary, the available evidence is currently insufficient to determine the role of this variant in disease. Therefore, it has been classified as a Variant of Uncertain Significance.

NM_004304.5(ALK):c.1269G>T (p.Lys423Asn)

Gene: ALK (ALK receptor tyrosine kinase; minus strand). Cytogenetic location: 2p23.2.
Variant type: single nucleotide variant.
Coding change: c.1269G>T on transcript NM_004304.5 (MANE Select); coding-DNA position 1269, G replaced by T.
Protein change: p.Lys423Asn; replaces lysine 423 with asparagine.
Molecular consequence: missense variant.
Genome position (GRCh38, 1-based): chr2:29,383,745, C>A on the plus strand (G>T on the coding strand, the complement: ALK is on the minus strand). VCF-style: chr2-29383745-C-A. GRCh37 (hg19) VCF-style: chr2-29606611-C-A.
Other names: short protein forms K423N.
Identifiers: ClinVar variation 2764126 (VCV002764126.3), dbSNP rs1370402590, ClinGen allele CA346585056.